The following is an entry in ClinVar:

ClinVar aggregate classification (germline): Pathogenic (1 of 4 stars; one submission).

Conditions:
Symmetrical dyschromatosis of extremities (DSH). Also called: Dyschromatosis symmetrica hereditaria; DYSCHROMATOSIS SYMMETRICA HEREDITARIA 1; RETICULATE ACROPIGMENTATION OF DOHI; SYMMETRIC DYSCHROMATOSIS OF THE EXTREMITIES. Identifiers: Orphanet 41, MedGen C0406775, MONDO:0007483, OMIM 127400.
Aicardi-Goutieres syndrome 6 (AGS6). Identifiers: Orphanet 51, MedGen C3539013, MONDO:0014007, OMIM 615010.

Submission:

Labcorp Genetics (formerly Invitae), Labcorp
Classification: Pathogenic for Aicardi-Goutieres syndrome 6; Symmetrical dyschromatosis of extremities. Last evaluated: 2024-09-16. Review status: criteria provided, single submitter. Criteria: Invitae Variant Classification Sherloc (09022015). Collection method: clinical testing. Allele origin: germline.
Comment: This sequence change creates a premature translational stop signal (p.Leu509*) in the ADAR gene. It is expected to result in an absent or disrupted protein product. Loss-of-function variants in ADAR are known to be pathogenic (PMID: 22974014). This variant is not present in population databases (gnomAD no frequency). This variant has not been reported in the literature in individuals affected with ADAR-related conditions. For these reasons, this variant has been classified as Pathogenic.

Literature cited by the submitters: PubMed 22974014.

NM_001111.5(ADAR):c.1526del (p.Leu508_Leu509insTer)

Gene: ADAR (adenosine deaminase RNA specific; minus strand). Cytogenetic location: 1q21.3.
Variant type: Deletion.
Coding change: c.1526del on transcript NM_001111.5 (MANE Select); coding-DNA position 1526, one base deleted (T; older notation c.1526delT).
Protein change: p.Leu508_Leu509insTer.
Molecular consequence: nonsense.
Genome position (GRCh38, 1-based): chr1:154,601,116, A deleted on the plus strand (T on the coding strand, the reverse complement: ADAR is on the minus strand); the first of 2 consecutive A bases (chr1:154,601,116-154,601,117); deleting either gives the same sequence. VCF-style (leftmost placement, unchanged base first): chr1-154601115-TA-T. GRCh37 (hg19) VCF-style: chr1-154573591-TA-T.
Other names: c.641del, p.Leu213_Leu214insTer (NM_001025107.3, NM_001193495.2, NM_001365046.1 and 3 more transcripts); c.1553del, p.Leu517_Leu518insTer (NM_001365045.1); c.1526del, p.Leu508_Leu509insTer (NM_015840.4, NM_015841.4).
Identifiers: ClinVar variation 3750037 (VCV003750037.1).
Genomic context (GRCh38, chr1:154,601,115, plus strand): 5'-TGGTCCACTCTGCTCTATCATGTTGAACTCACAGGTTTGACTAGCGAACTGGGCATATTC[TA>T]ACAGCCCGCTGATGGGGTTCTTCAGCTGGCACTCTGTCAGTTTCTTGTAGGGTGAACACC-3'